The following is an entry in ClinVar:

ClinVar aggregate classification (germline): Likely benign. Review status: criteria provided, single submitter (1 of 4 stars). 2 submissions from 2 submitters: Likely benign (1). 1 of the submissions does not count toward it. Last evaluated 2022-11-09.

Conditions:
CHD3-related disorder. Also called: CHD3-related condition.
Inborn genetic diseases. Identifiers: MedGen C0950123, MeSH D030342.

Allele frequency attached by ClinVar (database versions not stated): 1000 Genomes Project 30x 0.00031; 1000 Genomes Project 0.00040; ESP Exome Variant Server 0.00062.

Submissions (2):

Ambry Genetics
Classification: Likely benign for Inborn genetic diseases. Last evaluated: 2022-11-09. Review status: criteria provided, single submitter. Criteria: Ambry Variant Classification Scheme 2023. Collection method: clinical testing. Allele origin: germline.

PreventionGenetics, part of Exact Sciences
Classification: Likely benign for CHD3-related condition. Last evaluated: 2022-02-23. Review status: no assertion criteria provided. Collection method: clinical testing. Allele origin: germline. Not counted in ClinVar's aggregate classification.
Comment: This variant is classified as likely benign based on ACMG/AMP sequence variant interpretation guidelines (Richards et al. 2015 PMID: 25741868, with internal and published modifications).

NM_001005273.3(CHD3):c.5045G>A (p.Arg1682Gln)

Gene: CHD3 (chromodomain helicase DNA binding protein 3; plus strand). Cytogenetic location: 17p13.1.
Variant type: single nucleotide variant.
Coding change: c.5045G>A on transcript NM_001005273.3 (MANE Select); coding-DNA position 5045, G replaced by A.
Protein change: p.Arg1682Gln; replaces arginine 1682 with glutamine.
Molecular consequence: missense variant.
Genome position (GRCh38, 1-based): chr17:7,907,912, G>A. VCF-style: chr17-7907912-G-A. GRCh37 (hg19) VCF-style: chr17-7811230-G-A.
Other names: c.5222G>A, p.Arg1741Gln (NM_001005271.3); c.4943G>A, p.Arg1648Gln (NM_005852.4); short protein forms R1648Q, R1682Q, R1741Q.
Identifiers: ClinVar variation 3057310 (VCV003057310.3), dbSNP rs149185282, ClinGen allele CA8363563.